The following is an entry in ClinVar:

NM_198576.4(AGRN):c.5555G>T (p.Cys1852Phe)

Gene: AGRN (agrin; plus strand). Cytogenetic location: 1p36.33.
Variant type: single nucleotide variant.
Coding change: c.5555G>T on transcript NM_198576.4 (MANE Select); coding-DNA position 5555, G replaced by T.
Protein change: p.Cys1852Phe; replaces cysteine 1852 with phenylalanine.
Molecular consequence: missense variant.
Genome position (GRCh38, 1-based): chr1:1,051,637, G>T. VCF-style: chr1-1051637-G-T. GRCh37 (hg19) VCF-style: chr1-987017-G-T.
Other names: c.5567G>T, p.Cys1856Phe (NM_001305275.2); c.5252G>T, p.Cys1751Phe (NM_001364727.2); short protein forms C1751F, C1852F, C1856F.
Identifiers: ClinVar variation 1468360 (VCV001468360.8), dbSNP rs1645295133, ClinGen allele CA337782043.

ClinVar aggregate classification (germline): Uncertain significance (1 of 4 stars; one submission).

Conditions:
Congenital myasthenic syndrome 8. Also called: MYASTHENIC SYNDROME, CONGENITAL, DUE TO AGRIN DEFICIENCY; Myasthenic syndrome, congenital, 8, with pre- and postsynaptic defects. Identifiers: Orphanet 590, MedGen C3808739, MONDO:0014052, OMIM 615120.

Submission:

Labcorp Genetics (formerly Invitae), Labcorp
Classification: Uncertain significance for Congenital myasthenic syndrome 8. Last evaluated: 2022-02-24. Review status: criteria provided, single submitter. Criteria: Invitae Variant Classification Sherloc (09022015). Collection method: clinical testing. Allele origin: germline.
Comment: In summary, the available evidence is currently insufficient to determine the role of this variant in disease. Therefore, it has been classified as a Variant of Uncertain Significance. Algorithms developed to predict the effect of missense changes on protein structure and function are either unavailable or do not agree on the potential impact of this missense change (SIFT: "Deleterious"; PolyPhen-2: "Possibly Damaging"; Align-GVGD: "Class C0"). This variant has not been reported in the literature in individuals affected with AGRN-related conditions. This variant is not present in population databases (gnomAD no frequency). This sequence change replaces cysteine, which is neutral and slightly polar, with phenylalanine, which is neutral and non-polar, at codon 1852 of the AGRN protein (p.Cys1852Phe).